The following is an entry in ClinVar:

NM_007294.4(BRCA1):c.2872_2873insA (p.Phe958fs)

Gene: BRCA1 (BRCA1 DNA repair associated; minus strand). Cytogenetic location: 17q21.31.
Variant type: Insertion.
Coding change: c.2872_2873insA on transcript NM_007294.4 (MANE Select); coding-DNA positions 2872 to 2873, A inserted.
Protein change: p.Phe958fs; shifts the reading frame from phenylalanine 958.
Molecular consequence: frameshift variant. On other transcripts: intron variant (137).
Genome position: GRCh38 VCF-style: chr17-43092658-A-AT. GRCh37 (hg19) VCF-style: chr17-41244675-A-AT.
Other names: c.2659_2660insA, p.Phe887fs (NM_001407571.1, NM_001407853.1, NM_001407894.1 and 9 more transcripts); c.2872_2873insA, p.Phe958fs (NM_001407581.1, NM_001407582.1, NM_001407583.1 and 30 more transcripts); c.2869_2870insA, p.Phe957fs (NM_001407587.1, NM_001407590.1, NM_001407591.1 and 22 more transcripts); c.2863_2864insA, p.Phe955fs (NM_001407646.1, NM_001407647.1); c.2749_2750insA, p.Phe917fs (NM_001407648.1, NM_001407664.1, NM_001407665.1 and 19 more transcripts); c.2746_2747insA, p.Phe916fs (NM_001407649.1, NM_001407670.1, NM_001407671.1 and 11 more transcripts); c.2794_2795insA, p.Phe932fs (NM_001407653.1, NM_001407654.1, NM_001407655.1 and 4 more transcripts); c.2731_2732insA, p.Phe911fs (NM_001407726.1, NM_001407727.1, NM_001407728.1 and 29 more transcripts); and 41 more; short protein forms F911fs, F958fs, F662fs, F831fs, F910fs, F932fs, F887fs, F916fs.
Identifiers: ClinVar variation 548231 (VCV000548231.2), dbSNP rs1555588803, ClinGen allele CA658823985.

ClinVar aggregate classification (germline): Pathogenic (3 of 4 stars; one submission).

Conditions:
Breast-ovarian cancer, familial, susceptibility to, 1 (BROVCA1). Also called: BRCA1 Hereditary Breast and Ovarian Cancer; OVARIAN CANCER, SUSCEPTIBILITY TO. Identifiers: Orphanet 145, MedGen C2676676, MONDO:0011450, OMIM 604370. Disease mechanism: loss of function.

Submission:

Evidence-based Network for the Interpretation of Germline Mutant Alleles (ENIGMA)
Classification: Pathogenic for Breast-ovarian cancer, familial, susceptibility to, 1. Last evaluated: 2017-12-15. Review status: reviewed by expert panel. Criteria: ENIGMA BRCA1/2 Classification Criteria (2017-06-29). Collection method: curation. Allele origin: germline. Study: ENIGMA.
Comment: Variant allele predicted to encode a truncated non-functional protein.